The following is an entry in ClinVar:

ClinVar aggregate classification (germline): Uncertain significance. Review status: criteria provided, multiple submitters, no conflicts (2 of 4 stars). 2 submissions from 2 submitters: Uncertain significance (2). Last evaluated 2025-11-03.

Conditions:
Parathyroid carcinoma (PRTC). Also called: CDC73-Related Parathyroid Carcinoma; Parathyroid gland carcinoma. Identifiers: Orphanet 143, MedGen C0687150, MONDO:0012004, OMIM 608266, HP:0006780.
Hereditary cancer-predisposing syndrome. Also called: Neoplastic Syndromes, Hereditary; Hereditary Cancer Syndrome; Hereditary neoplastic syndrome; Tumor predisposition. Identifiers: Orphanet 140162, MedGen C0027672, MeSH D009386, MONDO:0015356.

Allele frequency attached by ClinVar (database versions not stated): gnomAD exomes 0.00001.
gnomAD v4.1: 13 of 1,613,204 alleles (0.00081%); highest among the groups gnomAD compares: Non-Finnish European, 0.0011%; no homozygotes.

Submissions (2):

Labcorp Genetics (formerly Invitae), Labcorp
Classification: Uncertain significance for Parathyroid carcinoma. Last evaluated: 2025-11-03. Review status: criteria provided, single submitter. Criteria: Invitae Variant Classification Sherloc (09022015). Collection method: clinical testing. Allele origin: germline.
Comment: This sequence change replaces glycine, which is neutral and non-polar, with alanine, which is neutral and non-polar, at codon 416 of the CDC73 protein (p.Gly416Ala). This variant is not present in population databases (gnomAD no frequency). This variant has not been reported in the literature in individuals affected with CDC73-related conditions. ClinVar contains an entry for this variant (Variation ID: 462744). Invitae Evidence Modeling of protein sequence and biophysical properties (such as structural, functional, and spatial information, amino acid conservation, physicochemical variation, residue mobility, and thermodynamic stability) indicates that this missense variant is expected to disrupt CDC73 protein function with a positive predictive value of 80%. In summary, the available evidence is currently insufficient to determine the role of this variant in disease. Therefore, it has been classified as a Variant of Uncertain Significance.

Ambry Genetics
Classification: Uncertain significance for Hereditary cancer-predisposing syndrome. Last evaluated: 2024-11-03. Review status: criteria provided, single submitter. Criteria: Ambry Variant Classification Scheme 2023. Collection method: clinical testing. Allele origin: germline.
Comment: The p.G416A variant (also known as c.1247G>C), located in coding exon 14 of the CDC73 gene, results from a G to C substitution at nucleotide position 1247. The glycine at codon 416 is replaced by alanine, an amino acid with similar properties. This variant has been reported in 1/1120 pediatric cancer patients who underwent whole genome sequencing and/or whole exome sequencing; this patient was diagnosed with ependymoma (Zhang J et al. N Engl J Med, 2015 Dec;373:2336-2346). This amino acid position is highly conserved in available vertebrate species. In addition, the in silico prediction for this alteration is inconclusive. Since supporting evidence is limited at this time, the clinical significance of this alteration remains unclear.

Literature cited by the submitters: PubMed 26580448 (cited by Ambry Genetics).

NM_024529.5(CDC73):c.1247G>C (p.Gly416Ala)

Gene: CDC73 (cell division cycle 73; plus strand). Cytogenetic location: 1q31.2.
Variant type: single nucleotide variant.
Coding change: c.1247G>C on transcript NM_024529.5 (MANE Select); coding-DNA position 1247, G replaced by C.
Protein change: p.Gly416Ala; replaces glycine 416 with alanine.
Molecular consequence: missense variant.
Genome position (GRCh38, 1-based): chr1:193,233,085, G>C. VCF-style: chr1-193233085-G-C. GRCh37 (hg19) VCF-style: chr1-193202215-G-C.
Other names: short protein forms G416A.
Identifiers: ClinVar variation 462744 (VCV000462744.11), dbSNP rs1553291033, ClinGen allele CA344077923.